The following is an entry in ClinVar:

ClinVar aggregate classification (germline): Uncertain significance (1 of 4 stars; one submission).

Conditions:
Bloom syndrome (BLM). Also called: Bloom-Torre-Machacek syndrome. Identifiers: Orphanet 125, MedGen C0005859, MONDO:0008876, OMIM 210900.

Submission:

Labcorp Genetics (formerly Invitae), Labcorp
Classification: Uncertain significance for Bloom syndrome. Last evaluated: 2021-06-19. Review status: criteria provided, single submitter. Criteria: Invitae Variant Classification Sherloc (09022015). Collection method: clinical testing. Allele origin: germline.
Comment: In summary, the available evidence is currently insufficient to determine the role of this variant in disease. Therefore, it has been classified as a Variant of Uncertain Significance. Algorithms developed to predict the effect of missense changes on protein structure and function (SIFT, PolyPhen-2, Align-GVGD) all suggest that this variant is likely to be tolerated, but these predictions have not been confirmed by published functional studies and their clinical significance is uncertain. This variant has not been reported in the literature in individuals with BLM-related conditions. This variant is not present in population databases (ExAC no frequency). This sequence change replaces leucine with arginine at codon 848 of the BLM protein (p.Leu848Arg). The leucine residue is weakly conserved and there is a moderate physicochemical difference between leucine and arginine.

NM_000057.4(BLM):c.2543T>G (p.Leu848Arg)

Gene: BLM (BLM RecQ like helicase; plus strand). Cytogenetic location: 15q26.1.
Variant type: single nucleotide variant.
Coding change: c.2543T>G on transcript NM_000057.4 (MANE Select); coding-DNA position 2543, T replaced by G.
Protein change: p.Leu848Arg; replaces leucine 848 with arginine.
Molecular consequence: missense variant.
Genome position (GRCh38, 1-based): chr15:90,769,574, T>G. VCF-style: chr15-90769574-T-G. GRCh37 (hg19) VCF-style: chr15-91312804-T-G.
Other names: c.2543T>G, p.Leu848Arg (NM_001287246.2, NM_001287247.2); c.1418T>G, p.Leu473Arg (NM_001287248.2); short protein forms L473R, L848R.
Identifiers: ClinVar variation 1467356 (VCV001467356.8), dbSNP rs2151166410, ClinGen allele CA393845542.